The following is an entry in ClinVar:

NM_000540.3(RYR1):c.14456T>C (p.Met4819Thr)

Gene: RYR1 (ryanodine receptor 1; plus strand). Cytogenetic location: 19q13.2.
Variant type: single nucleotide variant.
Coding change: c.14456T>C on transcript NM_000540.3 (MANE Select); coding-DNA position 14456, T replaced by C.
Protein change: p.Met4819Thr; replaces methionine 4819 with threonine.
Molecular consequence: missense variant.
Genome position (GRCh38, 1-based): chr19:38,580,073, T>C. VCF-style: chr19-38580073-T-C. GRCh37 (hg19) VCF-style: chr19-39070713-T-C.
Other names: c.14441T>C, p.Met4814Thr (NM_001042723.2); short protein forms M4814T, M4819T.
Identifiers: ClinVar variation 3069680 (VCV003069680.1), dbSNP rs2514749045, ClinGen allele CA405687213.
Genomic context (GRCh38, chr19:38,580,073, plus strand): 5'-TGTCCCTCTTGGGACACTACAACAACTTCTTCTTTGCTGCCCATCTCCTGGACATCGCCA[T>C]GGGGGTCAAGACGCTGCGCACCATCCTGTCCTCTGTCACCCACAATGGGAAACAGGTGTG-3'
Protein context (NP_000531.2, residues 4809-4829): FFAAHLLDIA[Met4819Thr]GVKTLRTILS

ClinVar aggregate classification (germline): Uncertain significance (1 of 4 stars; one submission).

Conditions:
Malignant hyperthermia, susceptibility to, 1 (MHS1). Also called: RYR1-Related Malignant Hyperthermia Susceptibility; Anesthesia related hyperthermia; Malignant hyperpyrexia; Fulminating hyperpyrexia; Pharmacogenic myopathy; Malignant hyperthermia suceptibility 1. Identifiers: Orphanet 423, MedGen C2930980, MONDO:0007783, OMIM 145600.

Allele frequency attached by ClinVar (database versions not stated): gnomAD exomes below 0.00001.
gnomAD v4.1: 1 of 1,614,102 alleles (0.000062%); highest among the groups gnomAD compares: Non-Finnish European, 0.000085%; no homozygotes.

Submission:

All of Us Research Program, National Institutes of Health
Classification: Uncertain significance for Malignant hyperthermia, susceptibility to, 1. Last evaluated: 2023-02-24. Review status: criteria provided, single submitter. Criteria: ACMG Guidelines, 2015. Collection method: clinical testing. Allele origin: germline. Inheritance: Autosomal dominant inheritance. Observed: 1 variant allele, 1 heterozygote.
Comment: This missense variant replaces methionine with threonine at codon 4819 of the RYR1 protein. Computational prediction suggests that this variant may have deleterious impact on protein structure and function (internally defined REVEL score threshold >= 0.7, PMID: 27666373). To our knowledge, functional studies have not been reported for this variant. This variant has not been reported in individuals affected with RYR1-related disorders in the literature. This variant has not been identified in the general population by the Genome Aggregation Database (gnomAD). The available evidence is insufficient to determine the role of this variant in disease conclusively. Therefore, this variant is classified as a Variant of Uncertain Significance.

This study involves interpretation of variants in research participants for the purpose of population health screening. Participant phenotype was not available at the time of variant classification. Additional details can be found in publication PMID: 35346344, PMCID: PMC8962531